The following is an entry in ClinVar:

ClinVar aggregate classification (germline): Uncertain significance (1 of 4 stars; one submission).

gnomAD v4.1: 85 of 1,612,766 alleles (0.0053%); highest among the groups gnomAD compares: Non-Finnish European, 0.0067%; no homozygotes.

Submission:

Labcorp Genetics (formerly Invitae), Labcorp
Classification: Uncertain significance. Last evaluated: 2025-02-17. Review status: criteria provided, single submitter. Criteria: Invitae Variant Classification Sherloc (09022015). Collection method: clinical testing. Allele origin: germline.
Comment: This sequence change replaces aspartic acid, which is acidic and polar, with glutamic acid, which is acidic and polar, at codon 73 of the LAMB1 protein (p.Asp73Glu). This variant is present in population databases (rs200483958, gnomAD 0.01%). This variant has not been reported in the literature in individuals affected with LAMB1-related conditions. An algorithm developed to predict the effect of missense changes on protein structure and function (PolyPhen-2) suggests that this variant is likely to be tolerated. In summary, the available evidence is currently insufficient to determine the role of this variant in disease. Therefore, it has been classified as a Variant of Uncertain Significance.

NM_002291.3(LAMB1):c.219C>G (p.Asp73Glu)

Gene: LAMB1 (laminin subunit beta 1; minus strand). Cytogenetic location: 7q31.1.
Variant type: single nucleotide variant.
Coding change: c.219C>G on transcript NM_002291.3 (MANE Select); coding-DNA position 219, C replaced by G.
Protein change: p.Asp73Glu; replaces aspartic acid 73 with glutamic acid.
Molecular consequence: missense variant.
Genome position (GRCh38, 1-based): chr7:107,998,487, G>C on the plus strand (C>G on the coding strand, the complement: LAMB1 is on the minus strand). VCF-style: chr7-107998487-G-C. GRCh37 (hg19) VCF-style: chr7-107638932-G-C.
Other names: short protein forms D73E.
Identifiers: ClinVar variation 3706091 (VCV003706091.2).
Genomic context (GRCh38, chr7:107,998,487, plus strand): 5'-GCTGTCAGGATTCAGGGTCTCATGATAAGGATCTTGGGAATTGCATATGAAGCATTTTTT[G>C]TCCTCCTACAAACAAAGTTGAGTTCATCAGTCTAGAAAGCAATCTCATTAAAAACATTTT-3'
Protein context (NP_002282.2, residues 63-83): PYCIVSHLQE[Asp73Glu]KKCFICNSQD